The following is an entry in ClinVar:

ClinVar aggregate classification (germline): Uncertain significance (1 of 4 stars; one submission).

Conditions:
Leydig cell agenesis. Also called: Leydig cell hypoplasia, type 1; HYPERGONADOTROPIC HYPOGONADISM, MALE, DUE TO LHCGR DEFECT; LEYDIG CELL HYPOPLASIA WITH MALE PSEUDOHERMAPHRODITISM; LEYDIG CELL HYPOPLASIA, COMPLETE. Identifiers: MedGen C0266432, MONDO:0009384, OMIM 238320.

Submission:

Neuberg Centre For Genomic Medicine, NCGM
Classification: Uncertain significance for Leydig cell agenesis. Review status: criteria provided, single submitter. Criteria: ACMG Guidelines, 2015. Collection method: clinical testing. Allele origin: germline. Affected: yes.
Comment: The missense variant p.A118V in LHCGR (NM_000233.4) has not been reported previously as a pathogenic variant nor as a benign variant, to our knowledge. The p.A118V variant is novel (not in any individuals) in gnomAD Exomes and is novel (not in any individuals) in 1000 Genomes. The p.A118V missense variant is predicted to be damaging by both SIFT and PolyPhen2. The alanine residue at codon 118 of LHCGR is conserved in all mammalian species. The nucleotide c.353 in LHCGR is predicted conserved by GERP++ and PhyloP across 100 vertebrates. For these reasons, this variant has been classified as Uncertain Significance.

NM_000233.4(LHCGR):c.353C>T (p.Ala118Val)

Genes: STON1-GTF2A1L (STON1-GTF2A1L readthrough; plus strand), LHCGR (luteinizing hormone/choriogonadotropin receptor; minus strand). Cytogenetic location: 2p16.3.
Variant type: single nucleotide variant.
Coding change: c.353C>T on transcript NM_000233.4 (MANE Select); coding-DNA position 353, C replaced by T.
Protein change: p.Ala118Val; replaces alanine 118 with valine.
Molecular consequence: missense variant. On other transcripts: intron variant (1).
Genome position (GRCh38, 1-based): chr2:48,725,706, G>A on the plus strand (C>T on the coding strand, the complement: LHCGR is on the minus strand). VCF-style: chr2-48725706-G-A. GRCh37 (hg19) VCF-style: chr2-48952845-G-A.
Other names: c.3442-50574G>A (NM_001198593.2); short protein forms A118V.
Identifiers: ClinVar variation 1339087 (VCV001339087.2), dbSNP rs200591881, ClinGen allele CA346759479.
Genomic context (GRCh38, chr2:48,725,706, plus strand): 5'-CCCAATTGCTTAAAAAGGAAAATTTCTCACAAGTATTTTAATCGGGGAAGATTTATAAAT[G>A]CTCCGGGCTCAATGTATCTCAGATTTTTGGTGTTCTGGATCAGTCTGTAAAGAGAGAGGG-3'
Protein context (NP_000224.2, residues 108-128): TKNLRYIEPG[Ala118Val]FINLPRLKYL